The following is an entry in ClinVar:

ClinVar aggregate classification (germline): Pathogenic (1 of 4 stars; one submission).

Conditions:
Joubert syndrome and related disorders. Identifiers: Orphanet 140874, MedGen C5679612, MONDO:0015369.

Submission:

Myriad Genetics, Inc.
Classification: Pathogenic for Joubert syndrome and related disorders. Last evaluated: 2025-10-11. Review status: criteria provided, single submitter. Criteria: Myriad Autosomal Dominant, Autosomal Recessive and X-Linked Classification Criteria (2023). Collection method: clinical testing. Allele origin: unknown.
Comment: NM_001080522.2(CC2D2A):c.4038dupT(I1347Yfs*3) is expected to be pathogenic in the context of CC2D2A-related disorders. This variant is predicted to lead to an abnormal or absent protein product due to the creation of a premature termination codon in CC2D2A, a gene where loss-of-function variants are known to be pathogenic. Please note: this variant was assessed in the context of healthy population screening.

NM_001378615.1(CC2D2A):c.4038dup (p.Ile1347fs)

Genes: CC2D2A (coiled-coil and C2 domain containing 2A; plus strand), FBXL5 (F-box and leucine rich repeat protein 5; minus strand). Cytogenetic location: 4p15.32.
Variant type: Duplication.
Coding change: c.4038dup on transcript NM_001378615.1 (MANE Select); coding-DNA position 4038, one base duplicated (T; older notation c.4038dupT).
Protein change: p.Ile1347fs; shifts the reading frame from isoleucine 1347.
Molecular consequence: frameshift variant.
Genome position (GRCh38, 1-based): chr4:15,586,219, T duplicated. VCF-style (leftmost placement, unchanged base first): chr4-15586218-G-GT. GRCh37 (hg19) VCF-style: chr4-15587841-G-GT.
Other names: c.4038dup, p.Ile1347fs (NM_001080522.2); c.3891dup, p.Ile1298fs (NM_001378617.1); short protein forms I1298fs, I1347fs.
Identifiers: ClinVar variation 5015075 (VCV005015075.1).